The following is an entry in ClinVar:

ClinVar aggregate classification (germline): Uncertain significance (1 of 4 stars; one submission).

Conditions:
DIAPH3-related disorder. Also called: DIAPH3-related condition.

gnomAD v4.1: 10 of 1,600,592 alleles (0.00062%); highest among the groups gnomAD compares: African/African-American, 0.013%; no homozygotes.

Submission:

PreventionGenetics, part of Exact Sciences
Classification: Uncertain significance for DIAPH3-related condition. Last evaluated: 2026-05-07. Review status: criteria provided, single submitter. Criteria: ACMG Guidelines, 2015. Collection method: clinical testing. Allele origin: germline.
Comment: The DIAPH3 c.2167C>G variant is predicted to result in the amino acid substitution p.Leu723Val. To our knowledge, this variant has not been reported in the literature. This variant is reported in 0.0065% of alleles in individuals of African descent in gnomAD. At this time, the clinical significance of this variant is uncertain due to the absence of conclusive functional and genetic evidence.

NM_001042517.2(DIAPH3):c.2167C>G (p.Leu723Val)

Gene: DIAPH3 (diaphanous related formin 3; minus strand). Cytogenetic location: 13q21.2.
Variant type: single nucleotide variant.
Coding change: c.2167C>G on transcript NM_001042517.2 (MANE Select); coding-DNA position 2167, C replaced by G.
Protein change: p.Leu723Val; replaces leucine 723 with valine.
Molecular consequence: missense variant.
Genome position (GRCh38, 1-based): chr13:59,924,778, G>C on the plus strand (C>G on the coding strand, the complement: DIAPH3 is on the minus strand). VCF-style: chr13-59924778-G-C. GRCh37 (hg19) VCF-style: chr13-60498912-G-C.
Other names: c.2134C>G, p.Leu712Val (NM_001258366.2); c.2029C>G, p.Leu677Val (NM_001258367.2); c.1957C>G, p.Leu653Val (NM_001258368.2); c.2167C>G, p.Leu723Val (NM_001258369.2); c.1378C>G, p.Leu460Val (NM_001258370.2, NM_030932.4); short protein forms L460V, L677V, L712V, L723V, L653V.
Identifiers: ClinVar variation 4990466 (VCV004990466.1).
Genomic context (GRCh38, chr13:59,924,778, plus strand): 5'-AATCATTTAAAGAAATATTTCCACTGTCTTTGAATGGTATTGGAATATGATACTTACAAA[G>C]GTTCTGGGCAATTTTAGAATCTAAAAACTTAAGTTCTTTAATTTTTTTCTTAATCGATTT-3'
Protein context (NP_001035982.1, residues 713-733): KFLDSKIAQN[Leu723Val]SIFLSSFRVP